The following is an entry in ClinVar:

ClinVar aggregate classification (germline): Conflicting classifications of pathogenicity. Review status: criteria provided, conflicting classifications (1 of 4 stars). 6 submissions from 6 submitters: Uncertain significance (2); Benign (1); Likely benign (1). 2 of the submissions do not count toward it. Last evaluated 2026-01-28.

Conditions:
Bardet-Biedl syndrome 10 (BBS10). Identifiers: Orphanet 110, MedGen C1859568, MONDO:0014438, OMIM 615987.
BBS10-related disorder. Also called: BBS10-related condition.
BBS10-related ciliopathy. Identifiers: MedGen CN375912, MONDO:0700237.
Bardet-Biedl syndrome (BBS). Identifiers: Orphanet 110, MedGen C0752166, MONDO:0015229.

Allele frequency attached by ClinVar (database versions not stated): gnomAD 0.00001 and 0.00009; TOPMed 0.00002.

Submissions (6):

Labcorp Genetics (formerly Invitae), Labcorp
Classification: Benign for Bardet-Biedl syndrome. Last evaluated: 2026-01-28. Review status: criteria provided, single submitter. Criteria: Invitae Variant Classification Sherloc (09022015). Collection method: clinical testing. Allele origin: germline.

Blueprint Genetics
Classification: Likely benign. Last evaluated: 2024-10-31. Review status: criteria provided, single submitter. Criteria: ACMG Guidelines, 2015. Collection method: clinical testing. Allele origin: germline.

Department of Pathology and Laboratory Medicine, Sinai Health System
Classification: Uncertain significance for BBS10-related ciliopathy. Last evaluated: 2022-06-14. Review status: criteria provided, single submitter. Criteria: ACMG Guidelines, 2015. Collection method: research. Allele origin: germline.

Illumina Laboratory Services, Illumina
Classification: Uncertain significance for Bardet-Biedl syndrome 10. Last evaluated: 2018-01-12. Review status: criteria provided, single submitter. Criteria: ICSL Variant Classification Criteria 13 December 2019. Collection method: clinical testing. Allele origin: germline.

PreventionGenetics, part of Exact Sciences
Classification: Likely benign for BBS10-related condition. Last evaluated: 2022-08-03. Review status: no assertion criteria provided. Collection method: clinical testing. Allele origin: germline. Not counted in ClinVar's aggregate classification.
Comment: This variant is classified as likely benign based on ACMG/AMP sequence variant interpretation guidelines (Richards et al. 2015 PMID: 25741868, with internal and published modifications).

Natera, Inc.
Classification: Benign for Bardet-Biedl syndrome type 10. Last evaluated: 2020-09-08. Review status: no assertion criteria provided. Collection method: clinical testing. Allele origin: germline. Not counted in ClinVar's aggregate classification.

NM_024685.4(BBS10):c.1975A>T (p.Ile659Leu)

Gene: BBS10 (Bardet-Biedl syndrome 10; minus strand). Cytogenetic location: 12q21.2.
Variant type: single nucleotide variant.
Coding change: c.1975A>T on transcript NM_024685.4 (MANE Select); coding-DNA position 1975, A replaced by T.
Protein change: p.Ile659Leu; replaces isoleucine 659 with leucine.
Molecular consequence: missense variant.
Genome position (GRCh38, 1-based): chr12:76,346,010, T>A on the plus strand (A>T on the coding strand, the complement: BBS10 is on the minus strand). VCF-style: chr12-76346010-T-A. GRCh37 (hg19) VCF-style: chr12-76739790-T-A.
Other names: short protein forms I659L.
Identifiers: ClinVar variation 704965 (VCV000704965.22), dbSNP rs771355732, ClinGen allele CA6694065.